The following is an entry in ClinVar:

NM_001358235.2(DCHS2):c.2244+3329T>C

Gene: DCHS2 (dachsous cadherin-related 2; minus strand). Cytogenetic location: 4q31.3.
Variant type: single nucleotide variant.
Coding change: c.2244+3329T>C on transcript NM_001358235.2 (MANE Select); 3329 bases into the intron after coding-DNA position 2244, T replaced by C.
Molecular consequence: intron variant.
Genome position (GRCh38, 1-based): chr4:154,373,924, A>G on the plus strand (T>C on the coding strand, the complement: DCHS2 is on the minus strand). VCF-style: chr4-154373924-A-G. GRCh37 (hg19) VCF-style: chr4-155295076-A-G.
Other names: NM_017639.3:c.458T>C; c.2244+3329T>C (NM_001142552.2).
Identifiers: ClinVar variation 3060662 (VCV003060662.2), dbSNP rs11721758, ClinGen allele CA3113563.

ClinVar aggregate classification (germline): Benign (0 of 4 stars; one submission).

Conditions:
DCHS2-related disorder. Also called: DCHS2-related condition.

Allele frequency attached by ClinVar (database versions not stated): ESP Exome Variant Server 0.36237; gnomAD 0.36827; ExAC 0.40609; gnomAD exomes 0.43912; 1000 Genomes Project 30x 0.34135; 1000 Genomes Project 0.34884; TOPMed 0.35266.
gnomAD v4.1: 689,953 of 1,597,486 alleles (43%); highest among the groups gnomAD compares: Non-Finnish European, 46%; 152,933 homozygotes.

Submission:

PreventionGenetics, part of Exact Sciences
Classification: Benign for DCHS2-related condition. Last evaluated: 2019-10-22. Review status: no assertion criteria provided. Collection method: clinical testing. Allele origin: germline.
Comment: This variant is classified as benign based on ACMG/AMP sequence variant interpretation guidelines (Richards et al. 2015 PMID: 25741868, with internal and published modifications).